The following is an entry in ClinVar:

ClinVar aggregate classification (germline): Benign/Likely benign. Review status: criteria provided, multiple submitters, no conflicts (2 of 4 stars). 2 submissions from 2 submitters: Benign (1); Likely benign (1). Last evaluated 2024-08-22.

Conditions:
Hereditary cancer-predisposing syndrome. Also called: Neoplastic Syndromes, Hereditary; Tumor predisposition; Hereditary Cancer Syndrome; Hereditary neoplastic syndrome. Identifiers: Orphanet 140162, MedGen C0027672, MeSH D009386, MONDO:0015356.
Familial cancer of breast. Also called: BREAST CANCER, FAMILIAL; hereditary breast carcinoma; Hereditary breast cancer. Identifiers: Orphanet 227535, MedGen C0346153, MONDO:0016419, OMIM 114480. Disease mechanism: loss of function.

Submissions (2):

Myriad Genetics, Inc.
Classification: Benign for Familial cancer of breast. Last evaluated: 2024-08-22. Review status: criteria provided, single submitter. Criteria: Myriad Autosomal Dominant, Autosomal Recessive and X-Linked Classification Criteria (2023). Collection method: clinical testing. Allele origin: unknown.
Comment: This variant is considered benign. This variant is a silent/synonymous amino acid change and it is not expected to impact splicing.

Ambry Genetics
Classification: Likely benign for Hereditary cancer-predisposing syndrome. Last evaluated: 2021-10-07. Review status: criteria provided, single submitter. Criteria: Ambry Variant Classification Scheme 2023. Collection method: clinical testing. Allele origin: germline.

NM_032043.3(BRIP1):c.663T>G (p.Thr221=)

Gene: BRIP1 (BRCA1 interacting DNA helicase 1; minus strand). Cytogenetic location: 17q23.2.
Variant type: single nucleotide variant.
Coding change: c.663T>G on transcript NM_032043.3 (MANE Select); coding-DNA position 663, T replaced by G.
Protein change: p.Thr221=; no amino-acid change (threonine 221 retained).
Molecular consequence: synonymous variant.
Genome position (GRCh38, 1-based): chr17:61,808,722, A>C on the plus strand (T>G on the coding strand, the complement: BRIP1 is on the minus strand). VCF-style: chr17-61808722-A-C. GRCh37 (hg19) VCF-style: chr17-59886083-A-C.
Identifiers: ClinVar variation 1754643 (VCV001754643.3), dbSNP rs2145422231, ClinGen allele CA501335730.